The following is an entry in ClinVar:

NM_004463.3(FGD1):c.771del (p.Glu258fs)

Gene: FGD1 (FYVE, RhoGEF and PH domain containing 1; minus strand). Cytogenetic location: Xp11.22.
Variant type: Deletion.
Coding change: c.771del on transcript NM_004463.3 (MANE Select); coding-DNA position 771, one base deleted (C; older notation c.771delC).
Protein change: p.Glu258fs; shifts the reading frame from glutamic acid 258.
Molecular consequence: frameshift variant.
Genome position (GRCh38, 1-based): chrX:54,470,346, G deleted on the plus strand (C on the coding strand, the reverse complement: FGD1 is on the minus strand); the first of 4 consecutive G bases (chrX:54,470,346-54,470,349); deleting any one gives the same sequence. VCF-style (leftmost placement, unchanged base first): chrX-54470345-CG-C. GRCh37 (hg19) VCF-style: chrX-54496778-CG-C.
Other names: short protein forms E258fs.
Identifiers: ClinVar variation 4886474 (VCV004886474.2).
Genomic context (GRCh38, chrX:54,470,345, plus strand): 5'-CCTTCTCACCGTCCCGGGGCCCAGGAGCCAGCAGAAACAGGCAGCGGGAGGCCTCACCCT[CG>C]GGGAGCTGGGGCACTGGTGGCTGCGAGGTTGGCTGTGGCAACATGACTGGCTCTGGGGGA-3'

ClinVar aggregate classification (germline): Likely pathogenic (1 of 4 stars; one submission).

Submission:

Dasa
Classification: Likely pathogenic. Last evaluated: 2025-01-04. Review status: criteria provided, single submitter. Criteria: DASA Assertion Criteria. Collection method: clinical testing. Allele origin: germline.
Comment: NM_004463.3(FGD1):c.771del (p.Glu258Argfs*102) is a frameshift variant in FGD1 predicted to alter the reading frame and introduce a premature termination codon and is predicted to result in an absent or altered protein product. Loss of function is an established disease mechanism for FGD1 (PMID: 17152066; PMID: 20082460; PMID: 16353258). Also, this variant is absent from population databases. Based on the currently available evidence, this variant is classified as likely pathogenic.

Literature cited by the submitters: PubMed 17152066; PubMed 20082460; PubMed 16353258.